The following is an entry in ClinVar:

NM_001457.4(FLNB):c.6893C>T (p.Ser2298Leu)

Gene: FLNB (filamin B; plus strand). Cytogenetic location: 3p14.3.
Variant type: single nucleotide variant.
Coding change: c.6893C>T on transcript NM_001457.4 (MANE Select); coding-DNA position 6893, C replaced by T.
Protein change: p.Ser2298Leu; replaces serine 2298 with leucine.
Molecular consequence: missense variant.
Genome position (GRCh38, 1-based): chr3:58,159,558, C>T. VCF-style: chr3-58159558-C-T. GRCh37 (hg19) VCF-style: chr3-58145285-C-T.
Other names: c.6986C>T, p.Ser2329Leu (NM_001164317.2); c.6860C>T, p.Ser2287Leu (NM_001164318.2); c.6821C>T, p.Ser2274Leu (NM_001164319.2); short protein forms S2329L, S2274L, S2287L, S2298L.
Identifiers: ClinVar variation 1941264 (VCV001941264.7), dbSNP rs762871408, ClinGen allele CA2469535.

ClinVar aggregate classification (germline): Conflicting classifications of pathogenicity. Review status: criteria provided, conflicting classifications (1 of 4 stars). 3 submissions from 3 submitters: Uncertain significance (2); Likely benign (1). Last evaluated 2025-04-08.

Conditions:
Inborn genetic diseases. Identifiers: MedGen C0950123, MeSH D030342.
FLNB-related disorder. Also called: FLNB-related condition; FLNB-related disorders. Identifiers: MedGen CN381095.

Allele frequency attached by ClinVar (database versions not stated): ExAC 0.00001; TOPMed 0.00002.
gnomAD v4.1: 5 of 1,613,950 alleles (0.00031%); highest among the groups gnomAD compares: African/African-American, 0.0027%; no homozygotes.

Submissions (3):

Labcorp Genetics (formerly Invitae), Labcorp
Classification: Likely benign. Last evaluated: 2025-04-08. Review status: criteria provided, single submitter. Criteria: Invitae Variant Classification Sherloc (09022015). Collection method: clinical testing. Allele origin: germline.

PreventionGenetics, part of Exact Sciences
Classification: Uncertain significance for FLNB-related condition. Last evaluated: 2025-02-08. Review status: criteria provided, single submitter. Criteria: ACMG Guidelines, 2015. Collection method: clinical testing. Allele origin: germline.
Comment: The FLNB c.6893C>T variant is predicted to result in the amino acid substitution p.Ser2298Leu. To our knowledge, this variant has not been reported in the literature. This variant is reported in 0.0062% of alleles in individuals of African descent in gnomAD. At this time, the clinical significance of this variant is uncertain due to the absence of conclusive functional and genetic evidence.

Ambry Genetics
Classification: Uncertain significance for Inborn genetic diseases. Last evaluated: 2021-06-17. Review status: criteria provided, single submitter. Criteria: Ambry Variant Classification Scheme 2023. Collection method: clinical testing. Allele origin: germline.